The following is an entry in ClinVar:

ClinVar aggregate classification (germline): Uncertain significance (1 of 4 stars; one submission).

Submission:

GeneDx
Classification: Uncertain significance. Last evaluated: 2023-12-18. Review status: criteria provided, single submitter. Criteria: GeneDx Variant Classification Process June 2021. Collection method: clinical testing. Allele origin: germline. Affected: yes.
Comment: Not observed at significant frequency in large population cohorts (gnomAD); In silico analysis supports that this missense variant does not alter protein structure/function; Has not been previously published as pathogenic or benign to our knowledge

NM_007192.4(SUPT16H):c.1188G>C (p.Glu396Asp)

Gene: SUPT16H (SPT16 homolog, facilitates chromatin remodeling subunit; minus strand). Cytogenetic location: 14q11.2.
Variant type: single nucleotide variant.
Coding change: c.1188G>C on transcript NM_007192.4 (MANE Select); coding-DNA position 1188, G replaced by C.
Protein change: p.Glu396Asp; replaces glutamic acid 396 with aspartic acid.
Molecular consequence: missense variant.
Genome position (GRCh38, 1-based): chr14:21,364,872, C>G on the plus strand (G>C on the coding strand, the complement: SUPT16H is on the minus strand). VCF-style: chr14-21364872-C-G. GRCh37 (hg19) VCF-style: chr14-21833031-C-G.
Other names: short protein forms E396D.
Identifiers: ClinVar variation 3365734 (VCV003365734.1).